The following is an entry in ClinVar:

NM_000815.5(GABRD):c.1183G>C (p.Gly395Arg)

Gene: GABRD (gamma-aminobutyric acid type A receptor subunit delta; plus strand). Cytogenetic location: 1p36.33.
Variant type: single nucleotide variant.
Coding change: c.1183G>C on transcript NM_000815.5 (MANE Select); coding-DNA position 1183, G replaced by C.
Protein change: p.Gly395Arg; replaces glycine 395 with arginine.
Molecular consequence: missense variant.
Genome position (GRCh38, 1-based): chr1:2,030,106, G>C. VCF-style: chr1-2030106-G-C. GRCh37 (hg19) VCF-style: chr1-1961545-G-C.
Other names: short protein forms G395R.
Identifiers: ClinVar variation 952334 (VCV000952334.9), dbSNP rs763081509, ClinGen allele CA337960700.

ClinVar aggregate classification (germline): Uncertain significance (1 of 4 stars; one submission).

Conditions:
Idiopathic generalized epilepsy. Also called: EIG; Generalised epilepsy. Identifiers: MedGen C0270850, MONDO:0005579, OMIM 600669.

gnomAD v4.1: 1 of 1,594,020 alleles (0.000063%); highest among the groups gnomAD compares: Admixed American, 0.0017%; no homozygotes.

Submission:

Labcorp Genetics (formerly Invitae), Labcorp
Classification: Uncertain significance for Idiopathic generalized epilepsy. Last evaluated: 2019-05-31. Review status: criteria provided, single submitter. Criteria: Invitae Variant Classification Sherloc (09022015). Collection method: clinical testing. Allele origin: germline.
Comment: This sequence change replaces glycine with arginine at codon 395 of the GABRD protein (p.Gly395Arg). The glycine residue is weakly conserved and there is a moderate physicochemical difference between glycine and arginine. This variant is not present in population databases (ExAC no frequency). This variant has not been reported in the literature in individuals with GABRD-related conditions. Algorithms developed to predict the effect of missense changes on protein structure and function (SIFT, PolyPhen-2, Align-GVGD) all suggest that this variant is likely to be tolerated, but these predictions have not been confirmed by published functional studies and their clinical significance is uncertain. In summary, the available evidence is currently insufficient to determine the role of this variant in disease. Therefore, it has been classified as a Variant of Uncertain Significance.